The following is an entry in ClinVar:

NM_016341.4(PLCE1):c.2960A>G (p.His987Arg)

Gene: PLCE1 (phospholipase C epsilon 1; plus strand). Cytogenetic location: 10q23.33.
Variant type: single nucleotide variant.
Coding change: c.2960A>G on transcript NM_016341.4 (MANE Select); coding-DNA position 2960, A replaced by G.
Protein change: p.His987Arg; replaces histidine 987 with arginine.
Molecular consequence: missense variant.
Genome position (GRCh38, 1-based): chr10:94,246,485, A>G. VCF-style: chr10-94246485-A-G. GRCh37 (hg19) VCF-style: chr10-96006242-A-G.
Other names: c.2960A>G (NM_016341.3); c.2036A>G, p.His679Arg (NM_001165979.2); c.2960A>G, p.His987Arg (NM_001288989.2); short protein forms H987R, H679R.
Identifiers: ClinVar variation 562433 (VCV000562433.5), dbSNP rs762245091, ClinGen allele CA5612741.

ClinVar aggregate classification (germline): Uncertain significance. Review status: criteria provided, multiple submitters, no conflicts (2 of 4 stars). 4 submissions from 4 submitters: Uncertain significance (3). 1 of the submissions does not count toward it. Last evaluated 2025-04-30.

Conditions:
PLCE1-related disorder. Also called: PLCE1-related condition.
Nephrotic syndrome, type 3 (NPHS3). Also called: NEPHROTIC SYNDROME, EARLY-ONSET, TYPE 3. Identifiers: Orphanet 656, MedGen C1853124, MONDO:0012546, OMIM 610725.

Allele frequency attached by ClinVar (database versions not stated): TOPMed 0.00002; gnomAD exomes 0.00001 and 0.00003; ExAC 0.00002; gnomAD 0.00001.
gnomAD v4.1: 18 of 1,614,076 alleles (0.0011%); no homozygotes.

Submissions (4):

GeneDx
Classification: Uncertain significance. Last evaluated: 2025-04-30. Review status: criteria provided, single submitter. Criteria: GeneDx Variant Classification Process June 2021. Collection method: clinical testing. Allele origin: germline.
Comment: In silico analysis supports that this missense variant has a deleterious effect on protein structure/function; This variant is associated with the following publications: (PMID: 30586318)

Fulgent Genetics
Classification: Uncertain significance for Nephrotic syndrome, type 3. Last evaluated: 2024-06-18. Review status: criteria provided, single submitter. Criteria: ACMG Guidelines, 2015. Collection method: clinical testing. Allele origin: germline.

PreventionGenetics, part of Exact Sciences
Classification: Uncertain significance for PLCE1-related condition. Last evaluated: 2023-03-30. Review status: criteria provided, single submitter. Criteria: ACMG Guidelines, 2015. Collection method: clinical testing. Allele origin: germline.
Comment: The PLCE1 c.2960A>G variant is predicted to result in the amino acid substitution p.His987Arg. This variant was reported in the homozygous state in an individual with glomerulopathy (Table S7 Groopman et al 2019. PubMed ID: 30586318). This variant is reported in 0.060% of alleles in individuals of Ashkenazi Jewish descent in gnomAD. Although we suspect that this variant may be pathogenic, at this time, the clinical significance of this variant is uncertain due to the absence of conclusive functional and genetic evidence.

Gharavi Laboratory, Columbia University
Classification: Likely pathogenic. Last evaluated: 2018-09-16. Review status: no assertion criteria provided. Criteria: ACMG Guidelines, 2015. Collection method: research. Allele origin: germline. Affected: yes. Not counted in ClinVar's aggregate classification.